The following is an entry in ClinVar:

ClinVar aggregate classification (germline): Pathogenic/Likely pathogenic. Review status: criteria provided, multiple submitters, no conflicts (2 of 4 stars). 4 submissions from 4 submitters: Pathogenic (3); Likely pathogenic (1). Last evaluated 2024-06-19.

Conditions:
BEST1-related disorder. Also called: BEST1-related disorders; BEST1-related condition. Identifiers: MedGen CN239200.
Retinal dystrophy. Also called: Inherited retinal dystrophy. Identifiers: Orphanet 71862, MedGen C0854723, MeSH D058499, MONDO:0019118, HP:0000556.

Submissions (4):

Blueprint Genetics
Classification: Pathogenic for BEST1-related disorders. Last evaluated: 2024-06-19. Review status: criteria provided, single submitter. Criteria: ACMG Guidelines, 2015. Collection method: clinical testing. Allele origin: germline. Affected: yes. Observed: 3 variant alleles.

Labcorp Genetics (formerly Invitae), Labcorp
Classification: Pathogenic. Last evaluated: 2024-02-24. Review status: criteria provided, single submitter. Criteria: Invitae Variant Classification Sherloc (09022015). Collection method: clinical testing. Allele origin: germline.
Comment: This sequence change replaces glycine, which is neutral and non-polar, with aspartic acid, which is acidic and polar, at codon 15 of the BEST1 protein (p.Gly15Asp). This variant is not present in population databases (gnomAD no frequency). This missense change has been observed in individuals with autosomal dominant Best vitelliform macular dystrophy (PMID: 21436265, 27668499, 31570112). ClinVar contains an entry for this variant (Variation ID: 429731). Advanced modeling of protein sequence and biophysical properties (such as structural, functional, and spatial information, amino acid conservation, physicochemical variation, residue mobility, and thermodynamic stability) performed at Invitae indicates that this missense variant is expected to disrupt BEST1 protein function with a positive predictive value of 95%. For these reasons, this variant has been classified as Pathogenic.

Institute of Human Genetics, Univ. Regensburg, Univ. Regensburg
Classification: Likely pathogenic for Retinal dystrophy. Last evaluated: 2022-01-01. Review status: criteria provided, single submitter. Criteria: ACMG Guidelines, 2015. Collection method: clinical testing. Allele origin: germline. Affected: yes.

GeneDx
Classification: Pathogenic. Last evaluated: 2015-09-01. Review status: criteria provided, single submitter. Criteria: GeneDx Variant Classification (06012015). Collection method: clinical testing. Allele origin: germline. Affected: yes.
Comment: The G15D missense variant in the BEST1 gene has been reported previously in association with vitelliform dystrophy (Querques et al. 2011; Querques et al. 2009). The G15D substitution was not observed in approximately 6,500 individuals of European and African American ancestry in the NHLBI Exome Sequencing Project, indicating it is not a common benign variant in these populations. The G15D variant is a non-conservative amino acid substitution that occurs at a position that is conserved in mammals. Missense variants in nearby residues (R13C, R13P, R13H, S16Y, S16F, F17S, F17C, R19L) have been reported in the Human Gene Mutation Database in association with BEST1-related disorders (Stenson et al., 2014), supporting the functional importance of this region of the protein. Therefore, we interpret G15D as a pathogenic variant.

Literature cited by the submitters: PubMed 21436265 (cited by Labcorp Genetics (formerly Invitae), Labcorp and Institute of Human Genetics, Univ. Regensburg, Univ. Regensburg); PubMed 27668499 (cited by Labcorp Genetics (formerly Invitae), Labcorp and Institute of Human Genetics, Univ. Regensburg, Univ. Regensburg); PubMed 31570112 (cited by Labcorp Genetics (formerly Invitae), Labcorp and Institute of Human Genetics, Univ. Regensburg, Univ. Regensburg); PubMed 20057903 (cited by Institute of Human Genetics, Univ. Regensburg, Univ. Regensburg); PubMed 32531858 (cited by Institute of Human Genetics, Univ. Regensburg, Univ. Regensburg); PubMed 34327816 (cited by Institute of Human Genetics, Univ. Regensburg, Univ. Regensburg); PubMed 35119454 (cited by Institute of Human Genetics, Univ. Regensburg, Univ. Regensburg); PubMed 35260635 (cited by Institute of Human Genetics, Univ. Regensburg, Univ. Regensburg); PubMed 36460718 (cited by Institute of Human Genetics, Univ. Regensburg, Univ. Regensburg).

NM_004183.4(BEST1):c.44G>A (p.Gly15Asp)

Gene: BEST1 (bestrophin 1; plus strand). Cytogenetic location: 11q12.3.
Variant type: single nucleotide variant.
Coding change: c.44G>A on transcript NM_004183.4 (MANE Select); coding-DNA position 44, G replaced by A.
Protein change: p.Gly15Asp; replaces glycine 15 with aspartic acid.
Molecular consequence: missense variant. On other transcripts: non-coding transcript variant (1), intron variant (6).
Genome position (GRCh38, 1-based): chr11:61,951,850, G>A. VCF-style: chr11-61951850-G-A. GRCh37 (hg19) VCF-style: chr11-61719322-G-A.
Other names: c.44G>A, p.Gly15Asp (NM_001363592.2, NM_001440571.1, NM_001440572.1 and 1 more transcripts); c.-29+1423G>A (NM_001139443.3, NM_001300787.2, NM_001440574.1 and 3 more transcripts); short protein forms G15D.
Identifiers: ClinVar variation 429731 (VCV000429731.11), dbSNP rs766379510, ClinGen allele CA380831276.